The following is an entry in ClinVar:

NM_001330701.2(AGTPBP1):c.457G>A (p.Ala153Thr)

Gene: AGTPBP1 (ATP/GTP binding carboxypeptidase 1; minus strand). Cytogenetic location: 9q21.33.
Variant type: single nucleotide variant.
Coding change: c.457G>A on transcript NM_001330701.2 (MANE Select); coding-DNA position 457, G replaced by A.
Protein change: p.Ala153Thr; replaces alanine 153 with threonine.
Molecular consequence: missense variant.
Genome position (GRCh38, 1-based): chr9:85,672,661, C>T on the plus strand (G>A on the coding strand, the complement: AGTPBP1 is on the minus strand). VCF-style: chr9-85672661-C-T. GRCh37 (hg19) VCF-style: chr9-88287576-C-T.
Other names: c.613G>A, p.Ala205Thr (NM_001286715.1, NM_001286717.1); c.457G>A, p.Ala153Thr (NM_015239.3); short protein forms A153T, A205T.
Identifiers: ClinVar variation 2506626 (VCV002506626.1), dbSNP rs558511471, ClinGen allele CA5106772.
Genomic context (GRCh38, chr9:85,672,661, plus strand): 5'-GATTCTGCAAATTCTGCTTGACCAAATTCAGGGTTATATTCAGAGCCCCATTAATTCTAG[C>T]CTTTACTCCAAATTTTTTATCTGTTTAAAAAAAAAAAAGACAATTTATGCACATACAACT-3'
Protein context (NP_001317630.1, residues 143-163): GPKDKKFGVK[Ala153Thr]RINGALNITL

ClinVar aggregate classification (germline): Uncertain significance (1 of 4 stars; one submission).

Allele frequency attached by ClinVar (database versions not stated): gnomAD exomes 0.00001; ExAC 0.00002; gnomAD 0.00003; 1000 Genomes Project 30x 0.00016; 1000 Genomes Project 0.00020.

Submission:

GeneDx
Classification: Uncertain significance. Last evaluated: 2022-12-20. Review status: criteria provided, single submitter. Criteria: GeneDx Variant Classification Process June 2021. Collection method: clinical testing. Allele origin: germline. Affected: yes.
Comment: In silico analysis supports that this missense variant has a deleterious effect on protein structure/function; Has not been previously published as pathogenic or benign to our knowledge